The following is an entry in ClinVar:

ClinVar aggregate classification (germline): Uncertain significance (1 of 4 stars; one submission).

Conditions:
Familial adenomatous polyposis 1 (FAP1). Also called: FAMILIAL ADENOMATOUS POLYPOSIS 1, ATTENUATED; POLYPOSIS, ADENOMATOUS INTESTINAL. Identifiers: MedGen C2713442, MONDO:0021056, OMIM 175100. Disease mechanism: loss of function.

Submission:

Labcorp Genetics (formerly Invitae), Labcorp
Classification: Uncertain significance for Familial adenomatous polyposis 1. Last evaluated: 2025-09-10. Review status: criteria provided, single submitter. Criteria: Invitae Variant Classification Sherloc (09022015). Collection method: clinical testing. Allele origin: germline.
Comment: This sequence change replaces proline, which is neutral and non-polar, with glutamine, which is neutral and polar, at codon 2170 of the APC protein (p.Pro2170Gln). This variant is not present in population databases (gnomAD no frequency). This variant has not been reported in the literature in individuals affected with APC-related conditions. ClinVar contains an entry for this variant (Variation ID: 3652750). Invitae Evidence Modeling of protein sequence and biophysical properties (such as structural, functional, and spatial information, amino acid conservation, physicochemical variation, residue mobility, and thermodynamic stability) indicates that this missense variant is not expected to disrupt APC protein function with a negative predictive value of 95%. In summary, the available evidence is currently insufficient to determine the role of this variant in disease. Therefore, it has been classified as a Variant of Uncertain Significance.

NM_000038.6(APC):c.6509C>A (p.Pro2170Gln)

Gene: APC (APC regulator of Wnt signaling pathway; plus strand). Cytogenetic location: 5q22.2.
Variant type: single nucleotide variant.
Coding change: c.6509C>A on transcript NM_000038.6 (MANE Select); coding-DNA position 6509, C replaced by A.
Protein change: p.Pro2170Gln; replaces proline 2170 with glutamine.
Molecular consequence: missense variant. On other transcripts: non-coding transcript variant (2).
Genome position (GRCh38, 1-based): chr5:112,842,103, C>A. VCF-style: chr5-112842103-C-A. GRCh37 (hg19) VCF-style: chr5-112177800-C-A.
Other names: c.6509C>A, p.Pro2170Gln (NM_001127510.3, NM_001354895.2, NM_001407450.1); c.6455C>A, p.Pro2152Gln (NM_001127511.3); c.6563C>A, p.Pro2188Gln (NM_001354896.2, NM_001407447.1, NM_001407448.1 and 1 more transcripts); c.6539C>A, p.Pro2180Gln (NM_001354897.2); c.6434C>A, p.Pro2145Gln (NM_001354898.2); c.6425C>A, p.Pro2142Gln (NM_001354899.2); c.6386C>A, p.Pro2129Gln (NM_001354900.2); c.6332C>A, p.Pro2111Gln (NM_001354901.2, NM_001407453.1); and 11 more; short protein forms P1786Q, P2069Q, P2087Q, P2160Q, P2163Q, P2198Q, P2010Q, P2079Q.
Identifiers: ClinVar variation 3652750 (VCV003652750.2).